The following is an entry in ClinVar:

NM_015178.3(RHOBTB2):c.1942C>T (p.Arg648Ter)

Gene: RHOBTB2 (Rho related BTB domain containing 2; plus strand). Cytogenetic location: 8p21.3.
Variant type: single nucleotide variant.
Coding change: c.1942C>T on transcript NM_015178.3 (MANE Select); coding-DNA position 1942, C replaced by T.
Protein change: p.Arg648Ter; replaces arginine 648 with a stop codon.
Molecular consequence: nonsense.
Genome position (GRCh38, 1-based): chr8:23,015,719, C>T. VCF-style: chr8-23015719-C-T. GRCh37 (hg19) VCF-style: chr8-22873232-C-T.
Other names: c.2008C>T, p.Arg670Ter (NM_001160036.2); c.1963C>T, p.Arg655Ter (NM_001160037.2); c.1942C>T, p.Arg648Ter (NM_001374791.1); short protein forms R670*, R655*, R648*.
Identifiers: ClinVar variation 1956014 (VCV001956014.6), dbSNP rs368145681, ClinGen allele CA4672829.
Genomic context (GRCh38, chr8:23,015,719, plus strand): 5'-GCCGACTGGTGTCTCCACCACATCTGCACCAACTACAACAACGTGTGCCGCAAGTTCCCC[C>T]GAGACATGAAGGCCATGTCCCCAGGTGAGCATCGGGGCCAGTCCTGGCAGTACCTGCTGC-3'

ClinVar aggregate classification (germline): Uncertain significance. Review status: criteria provided, multiple submitters, no conflicts (2 of 4 stars). 2 submissions from 2 submitters: Uncertain significance (2). Last evaluated 2025-10-30.

Allele frequency attached by ClinVar (database versions not stated): TOPMed below 0.00001; ExAC 0.00001; gnomAD exomes 0.00001; ESP Exome Variant Server 0.00008.

Submissions (2):

Women's Health and Genetics/Laboratory Corporation of America, LabCorp
Classification: Uncertain significance. Last evaluated: 2025-10-30. Review status: criteria provided, single submitter. Criteria: LabCorp Variant Classification Summary - May 2015. Collection method: clinical testing. Allele origin: germline.
Comment: Variant summary: RHOBTB2 c.2008C>T (p.Arg670X) results in a premature termination codon and is not predicted to undergo nonsense mediated decay but is expected to cause a truncation of the encoded protein, however current evidence is not sufficient to establish loss of function as a mechanism for disease. The variant allele was found at a frequency of 8e-06 in 250978 control chromosomes. The available data on variant occurrences in the general population are insufficient to allow any conclusion about variant significance. c.2008C>T has been observed in the homozygous state in two related individuals from a consanguineous family with clinical features of Developmental And Epileptic Encephalopathy (Langhammer_2023). This report does not provide unequivocal conclusions about association of the variant with Developmental And Epileptic Encephalopathy, 64. To our knowledge, no experimental evidence demonstrating an impact on protein function has been reported. The following publication has been ascertained in the context of this evaluation (PMID: 37165955). ClinVar contains an entry for this variant (Variation ID: 1956014). Based on the evidence outlined above, the variant was classified as uncertain significance.

Labcorp Genetics (formerly Invitae), Labcorp
Classification: Uncertain significance. Last evaluated: 2024-08-02. Review status: criteria provided, single submitter. Criteria: Invitae Variant Classification Sherloc (09022015). Collection method: clinical testing. Allele origin: germline.
Comment: This sequence change creates a premature translational stop signal (p.Arg670*) in the RHOBTB2 gene. While this is not anticipated to result in nonsense mediated decay, it is expected to disrupt the last 80 amino acid(s) of the RHOBTB2 protein. This variant is present in population databases (rs368145681, gnomAD 0.007%). This premature translational stop signal has been observed in individual(s) with clinical features of RHOBTB2-related disorders (PMID: 37165955). ClinVar contains an entry for this variant (Variation ID: 1956014). Experimental studies and prediction algorithms are not available or were not evaluated, and the functional significance of this variant is currently unknown. In summary, the available evidence is currently insufficient to determine the role of this variant in disease. Therefore, it has been classified as a Variant of Uncertain Significance.

Literature cited by the submitters: PubMed 37165955 (cited by Women's Health and Genetics/Laboratory Corporation of America, LabCorp and Labcorp Genetics (formerly Invitae), Labcorp).